The following is an entry in ClinVar:

ClinVar aggregate classification (germline): Uncertain significance (1 of 4 stars; one submission).

Conditions:
Brachyolmia-amelogenesis imperfecta syndrome. Also called: PLATYSPONDYLY WITH AMELOGENESIS IMPERFECTA; Tooth agenesis, selective, 6; Dental anomalies and short stature. Identifiers: Orphanet 2899, MedGen C1832594, MONDO:0011018, OMIM 601216. Disease mechanism: loss of function.

Submission:

Labcorp Genetics (formerly Invitae), Labcorp
Classification: Uncertain significance for Brachyolmia-amelogenesis imperfecta syndrome. Last evaluated: 2025-08-22. Review status: criteria provided, single submitter. Criteria: Invitae Variant Classification Sherloc (09022015). Collection method: clinical testing. Allele origin: germline.
Comment: This variant, c.192_194del, results in the deletion of 1 amino acid(s) of the LTBP3 protein (p.Val65del), but otherwise preserves the integrity of the reading frame. This variant is not present in population databases (gnomAD no frequency). This variant has not been reported in the literature in individuals affected with LTBP3-related conditions. Experimental studies and prediction algorithms are not available or were not evaluated, and the functional significance of this variant is currently unknown. In summary, the available evidence is currently insufficient to determine the role of this variant in disease. Therefore, it has been classified as a Variant of Uncertain Significance.

NM_001130144.3(LTBP3):c.189GGT[1] (p.Val65del)

Gene: LTBP3 (latent transforming growth factor beta binding protein 3; minus strand). Cytogenetic location: 11q13.1.
Variant type: Microsatellite.
Coding change: c.189GGT[1] on transcript NM_001130144.3 (MANE Select); one copy of the 3-base unit GGT starting at c.189; the reference has two copies in a row; one copy, 3 bases deleted.
Protein change: p.Val65del; deletes valine 65.
Molecular consequence: inframe deletion. On other transcripts: 5 prime UTR variant (1).
Genome position (GRCh38, 1-based): chr11:65,557,766-65,557,768, ACC deleted on the plus strand (GGT on the coding strand, the reverse complement: LTBP3 is on the minus strand); deleting any 3 consecutive bases within chr11:65,557,766-65,557,771 gives the same sequence; the position shown is the placement nearest the transcript's 3' end. VCF-style (leftmost placement, unchanged base first): chr11-65557765-GACC-G. GRCh37 (hg19) VCF-style: chr11-65325236-GACC-G.
Other names: c.-159GGT[1] (NM_001164266.1); c.189GGT[1], p.Val65del (NM_021070.4); short protein forms V65del.
Identifiers: ClinVar variation 1959732 (VCV001959732.5), dbSNP rs2496186746, ClinGen allele CA2580615729.